The following is an entry in ClinVar:

ClinVar aggregate classification (germline): Benign (1 of 4 stars; one submission).

Submission:

ISCA site 4
Classification: Benign. Last evaluated: 2011-08-12. Review status: criteria provided, single submitter. Criteria: Kaminsky et al. (Genet Med. 2011). Collection method: clinical testing. Allele origin: unknown. Affected: yes. Observed: 1 variant allele.
Comment: Copy number variation identified through the course of routine clinical cytogenomic testing in postnatal populations. Clinical assertions have been curated as described in Kaminsky et al. 2011.

GRCh38/hg38 5q13.2(chr5:70436365-71420835)x1

Genes: GTF2H2 (general transcription factor IIH subunit 2; minus strand), LINC02197 (long intergenic non-protein coding RNA 2197; minus strand), NAIP (NLR family apoptosis inhibitory protein), SERF1A (small EDRK-rich factor 1A), SMN-AS1 (survival motor neuron- antisense 1) and 3 more. Cytogenetic location: 5q13.2.
Variant type: copy number loss.
Change: copy number 1 (one copy instead of two) of chr5:70,436,365-71,420,835 (984.5 kb, GRCh38 coordinates, 1-based), cytogenetic band 5q13.2.
Identifiers: ClinVar variation 57058 (VCV000057058.1).